The following is an entry in ClinVar:

ClinVar aggregate classification (germline): Uncertain significance (1 of 4 stars; one submission).

Conditions:
Neuromuscular disease caused by qualitative or quantitative defects of dysferlin. Also called: Qualitative or quantitative defects of dysferlin; Dysferlinopathy. Identifiers: Orphanet 207073, MedGen C2931687, MONDO:0016145.

gnomAD v4.1: 2 of 1,614,040 alleles (0.00012%); highest among the groups gnomAD compares: South Asian, 0.0022%; no homozygotes.

Submission:

Labcorp Genetics (formerly Invitae), Labcorp
Classification: Uncertain significance for Neuromuscular disease caused by qualitative or quantitative defects of dysferlin. Last evaluated: 2021-02-19. Review status: criteria provided, single submitter. Criteria: Invitae Variant Classification Sherloc (09022015). Collection method: clinical testing. Allele origin: germline.
Comment: In summary, the available evidence is currently insufficient to determine the role of this variant in disease. Therefore, it has been classified as a Variant of Uncertain Significance. Advanced modeling of protein sequence and biophysical properties (such as structural, functional, and spatial information, amino acid conservation, physicochemical variation, residue mobility, and thermodynamic stability) performed at Invitae indicates that this missense variant is not expected to disrupt DYSF protein function. This variant has not been reported in the literature in individuals with DYSF-related conditions. This variant is not present in population databases (ExAC no frequency). This sequence change replaces leucine with valine at codon 1944 of the DYSF protein (p.Leu1944Val). The leucine residue is moderately conserved and there is a small physicochemical difference between leucine and valine.

NM_001130987.2(DYSF):c.5947T>G (p.Leu1983Val)

Gene: DYSF (dysferlin; plus strand). Cytogenetic location: 2p13.2.
Variant type: single nucleotide variant.
Coding change: c.5947T>G on transcript NM_001130987.2 (MANE Select); coding-DNA position 5947, T replaced by G.
Protein change: p.Leu1983Val; replaces leucine 1983 with valine.
Molecular consequence: missense variant.
Genome position (GRCh38, 1-based): chr2:71,679,119, T>G. VCF-style: chr2-71679119-T-G. GRCh37 (hg19) VCF-style: chr2-71906249-T-G.
Other names: c.5833T>G, p.Leu1945Val (NM_001130455.2); c.5788T>G, p.Leu1930Val (NM_001130976.2); c.5851T>G, p.Leu1951Val (NM_001130977.2); c.5893T>G, p.Leu1965Val (NM_001130978.2); c.5923T>G, p.Leu1975Val (NM_001130979.2); c.5881T>G, p.Leu1961Val (NM_001130980.2); c.5944T>G, p.Leu1982Val (NM_001130981.2); c.5926T>G, p.Leu1976Val (NM_001130982.2); and 5 more; short protein forms L1945V, L1952V, L1962V, L1975V, L1944V, L1966V, L1976V, L1930V.
Identifiers: ClinVar variation 1497724 (VCV001497724.8), dbSNP rs2152967809, ClinGen allele CA347226339.
Genomic context (GRCh38, chr2:71,679,119, plus strand): 5'-TCCCTGCAGCTCGATCTCAACCGCATGCCCAAGCCAGCCAAGACAGCCAAGAAGTGCTCC[T>G]TGGACCAGCTGGATGATGCTTTCCACCCAGAATGGTTTGTGTCCCTTTTTGAGCAGAAAA-3'
Protein context (NP_001124459.1, residues 1973-1993): KPAKTAKKCS[Leu1983Val]DQLDDAFHPE